The following is an entry in ClinVar:

ClinVar aggregate classification (germline): Conflicting classifications of pathogenicity. Review status: criteria provided, conflicting classifications (1 of 4 stars). 4 submissions from 4 submitters: Uncertain significance (3); Likely benign (1). Last evaluated 2025-02-28.

Conditions:
Hereditary breast ovarian cancer syndrome. Also called: Hereditary breast and ovarian cancer syndrome (HBOC); BRCA1- and BRCA2-Associated Hereditary Breast and Ovarian Cancer; Hereditary breast and ovarian cancer syndrome; Breast and ovarian cancer; Hereditary breast and ovarian cancer; Hereditary breast and/or ovarian cancer syndrome. Identifiers: Orphanet 145, MedGen C0677776, MeSH D061325, MONDO:0003582. Disease mechanism: loss of function.
Hereditary cancer-predisposing syndrome. Also called: Hereditary neoplastic syndrome; Neoplastic Syndromes, Hereditary; Tumor predisposition; Hereditary Cancer Syndrome. Identifiers: Orphanet 140162, MedGen C0027672, MeSH D009386, MONDO:0015356.
BRCA1-related cancer predisposition. Identifiers: MedGen CN377757, MONDO:0700268.

Submissions (4):

Ambry Genetics
Classification: Uncertain significance for Hereditary cancer-predisposing syndrome. Last evaluated: 2025-02-28. Review status: criteria provided, single submitter. Criteria: Ambry Variant Classification Scheme 2023. Collection method: clinical testing. Allele origin: germline.
Comment: The p.N1067S variant (also known as c.3200A>G), located in coding exon 9 of the BRCA1 gene, results from an A to G substitution at nucleotide position 3200. The asparagine at codon 1067 is replaced by serine, an amino acid with highly similar properties. This amino acid position is not well conserved in available vertebrate species. In addition, this alteration is predicted to be tolerated by in silico analysis. Since supporting evidence is limited at this time, the clinical significance of this alteration remains unclear.

All of Us Research Program, National Institutes of Health
Classification: Uncertain significance for BRCA1-related cancer predisposition. Last evaluated: 2024-04-25. Review status: criteria provided, single submitter. Criteria: ACMG Guidelines, 2015. Collection method: clinical testing. Allele origin: germline. Inheritance: Autosomal dominant inheritance. Observed: 1 variant allele, 1 heterozygote.
Comment: This missense variant replaces asparagine with serine at codon 1067 of the BRCA1 protein. Computational prediction suggests that this variant may not impact protein structure and function. To our knowledge, functional studies have not been reported for this variant. This variant has not been reported in individuals affected with BRCA1-related disorders in the literature. This variant has not been identified in the general population by the Genome Aggregation Database (gnomAD). The available evidence is insufficient to determine the role of this variant in disease conclusively. Therefore, this variant is classified as a Variant of Uncertain Significance.

This study involves interpretation of variants in research participants for the purpose of population health screening. Participant phenotype was not available at the time of variant classification. Additional details can be found in publication PMID: 35346344, PMCID: PMC8962531

University of Washington Department of Laboratory Medicine, University of Washington
Classification: Likely benign for Hereditary cancer-predisposing syndrome. Last evaluated: 2023-03-23. Review status: criteria provided, single submitter. Criteria: Dines et al. (Genet Med. 2020). Collection method: curation. Allele origin: germline.
Comment: Missense variant in a coldspot region where missense variants are very unlikely to be pathogenic (PMID:31911673).

BRCA1 coldspot (exon 11 using historical exon numbering). Reclassification based on statistical prior probability

Labcorp Genetics (formerly Invitae), Labcorp
Classification: Uncertain significance for Hereditary breast ovarian cancer syndrome. Last evaluated: 2022-04-22. Review status: criteria provided, single submitter. Criteria: Invitae Variant Classification Sherloc (09022015). Collection method: clinical testing. Allele origin: germline.
Comment: This sequence change replaces asparagine, which is neutral and polar, with serine, which is neutral and polar, at codon 1067 of the BRCA1 protein (p.Asn1067Ser). This variant is not present in population databases (gnomAD no frequency). This variant has not been reported in the literature in individuals affected with BRCA1-related conditions. ClinVar contains an entry for this variant (Variation ID: 531349). Advanced modeling of protein sequence and biophysical properties (such as structural, functional, and spatial information, amino acid conservation, physicochemical variation, residue mobility, and thermodynamic stability) performed at Invitae indicates that this missense variant is not expected to disrupt BRCA1 protein function. In summary, the available evidence is currently insufficient to determine the role of this variant in disease. Therefore, it has been classified as a Variant of Uncertain Significance.

NM_007294.4(BRCA1):c.3200A>G (p.Asn1067Ser)

Gene: BRCA1 (BRCA1 DNA repair associated; minus strand). Cytogenetic location: 17q21.31.
Variant type: single nucleotide variant.
Coding change: c.3200A>G on transcript NM_007294.4 (MANE Select); coding-DNA position 3200, A replaced by G.
Protein change: p.Asn1067Ser; replaces asparagine 1067 with serine.
Molecular consequence: missense variant. On other transcripts: intron variant (137).
Genome position (GRCh38, 1-based): chr17:43,092,331, T>C on the plus strand (A>G on the coding strand, the complement: BRCA1 is on the minus strand). VCF-style: chr17-43092331-T-C. GRCh37 (hg19) VCF-style: chr17-41244348-T-C.
Other names: c.3056A>G, p.Asn1019Ser (NM_001407839.1, NM_001407844.1, NM_001407845.1 and 20 more transcripts); c.788-1299A>G (NM_001407980.1, NM_001407993.1, NM_001407976.1 and 17 more transcripts); c.653-1299A>G (NM_001408451.1); c.644-1299A>G (NM_001408464.1, NM_001408470.1, NM_001408468.1 and 3 more transcripts); c.524-1299A>G (NM_001408498.1, NM_001408501.1, NM_001408500.1 and 3 more transcripts); c.647-1299A>G (NM_001408467.1, NM_001408469.1, NM_001408453.1 and 11 more transcripts); c.785-1299A>G (NM_001408397.1, NM_001408401.1, NM_001408396.1 and 13 more transcripts); c.665-1299A>G (NM_001408436.1, NM_001408444.1, NM_001408438.1 and 12 more transcripts); and 41 more; short protein forms N1067S, N1020S, N1041S, N978S, N997S, N771S, N1000S, N1019S.
Identifiers: ClinVar variation 531349 (VCV000531349.21), dbSNP rs1555588214, ClinGen allele CA10595581.